The following is an entry in ClinVar:

ClinVar aggregate classification (germline): Uncertain significance (1 of 4 stars; one submission).

Conditions:
Hereditary sensory and autonomic neuropathy type 6. Also called: HSAN VI; Neuropathy, hereditary sensory and autonomic, type VI. Identifiers: Orphanet 314381, MedGen C3539003, MONDO:0013839, OMIM 614653.
Epidermolysis bullosa simplex 3, localized or generalized intermediate, with BP230 deficiency (EBS3). Also called: Epidermolysis bullosa simplex, autosomal recessive 2; Epidermolysis bullosa simplex due to BP230 deficiency. Identifiers: Orphanet 412181, MedGen C3809470, MONDO:0014180, OMIM 615425.

Allele frequency attached by ClinVar (database versions not stated): gnomAD exomes below 0.00001; gnomAD 0.00001; TOPMed 0.00003.
gnomAD v4.1: 2 of 1,614,086 alleles (0.00012%); highest among the groups gnomAD compares: African/African-American, 0.0027%; no homozygotes.

Submission:

Labcorp Genetics (formerly Invitae), Labcorp
Classification: Uncertain significance for Epidermolysis bullosa simplex 3, localized or generalized intermediate, with BP230 deficiency; Hereditary sensory and autonomic neuropathy type 6. Last evaluated: 2021-09-16. Review status: criteria provided, single submitter. Criteria: Invitae Variant Classification Sherloc (09022015). Collection method: clinical testing. Allele origin: germline.
Comment: This sequence change replaces aspartic acid with valine at codon 2001 of the DST protein (p.Asp2001Val). The aspartic acid residue is weakly conserved and there is a large physicochemical difference between aspartic acid and valine. This variant is not present in population databases (ExAC no frequency). This variant has not been reported in the literature in individuals affected with DST-related conditions. Algorithms developed to predict the effect of missense changes on protein structure and function are either unavailable or do not agree on the potential impact of this missense change (SIFT: "Deleterious"; PolyPhen-2: "Benign"; Align-GVGD: "Class C15"). In summary, the available evidence is currently insufficient to determine the role of this variant in disease. Therefore, it has been classified as a Variant of Uncertain Significance.

NM_001723.7(DST):c.6002A>T (p.Asp2001Val)

Gene: DST (dystonin; minus strand). Cytogenetic location: 6p12.1.
Variant type: single nucleotide variant.
Coding change: c.6002A>T on transcript NM_001723.7 (MANE Plus Clinical); coding-DNA position 6002, A replaced by T.
Protein change: p.Asp2001Val; replaces aspartic acid 2001 with valine.
Molecular consequence: missense variant. On other transcripts: intron variant (10).
Genome position (GRCh38, 1-based): chr6:56,618,032, T>A on the plus strand (A>T on the coding strand, the complement: DST is on the minus strand). VCF-style: chr6-56618032-T-A. GRCh37 (hg19) VCF-style: chr6-56482830-T-A.
Other names: c.4831-3548A>T (NM_001144769.5); c.4930-3548A>T (NM_001374722.1, NM_001374736.1); c.4957-3548A>T (NM_001374734.1); c.4417-3548A>T (NM_001144770.2); c.4297-3548A>T (NM_001374730.1, NM_001386100.1, NM_183380.4 and 1 more transcripts); c.3319-3548A>T (NM_015548.5); short protein forms D2001V.
Identifiers: ClinVar variation 1471295 (VCV001471295.6), dbSNP rs1207735894, ClinGen allele CA364566106.
Genomic context (GRCh38, chr6:56,618,032, plus strand): 5'-AACACAGAGTATACCTCTAAGGGTGTCAAAACCTTCACCAGTTCCATTTCACATGCGTTA[T>A]CTTGATACCTAACAGGTGGTCTAGAATTGTTCAGGGCTTGGTCTCTTATCTTCTCAATTT-3'
Protein context (NP_001714.1, residues 1991-2011): NNSRPPVRYQ[Asp2001Val]NACEMELVKV